The following is an entry in ClinVar:

ClinVar aggregate classification (germline): Conflicting classifications of pathogenicity. Review status: criteria provided, conflicting classifications (1 of 4 stars). 2 submissions from 1 submitter: Uncertain significance (1); Benign (1). Last evaluated 2018-01-13.

Conditions:
Left ventricular noncompaction 10 (LVNC10). Identifiers: Orphanet 154, Orphanet 54260, MedGen C3715165, MONDO:0014163, OMIM 615396.
Hypertrophic cardiomyopathy 4. Also called: Familial hypertrophic cardiomyopathy 4. Identifiers: MedGen C1861862, MONDO:0007268, OMIM 115197.

Allele frequency attached by ClinVar (database versions not stated): gnomAD 0.00001 and 0.00015; TOPMed 0.00005; gnomAD exomes 0.00032; 1000 Genomes Project 0.00060; 1000 Genomes Project 30x 0.00078.
gnomAD v4.1: 136 of 523,680 alleles (0.026%); highest among the groups gnomAD compares: South Asian, 0.32%; 4 homozygotes.

Submissions (2):

Illumina Laboratory Services, Illumina
Classification: Benign for Left ventricular noncompaction 10. Last evaluated: 2018-01-13. Review status: criteria provided, single submitter. Criteria: ICSL Variant Classification Criteria 13 December 2019. Collection method: clinical testing. Allele origin: germline.
Comment: This variant was observed in the ICSL laboratory as part of a predisposition screen in an ostensibly healthy population. It had not been previously curated by ICSL or reported in the Human Gene Mutation Database (HGMD: prior to June 1st, 2018), and was therefore a candidate for classification through an automated scoring system. Utilizing variant allele frequency, disease prevalence and penetrance estimates, and inheritance mode, an automated score was calculated to assess if this variant is too frequent to cause the disease. Based on the score and internal cut-off values, a variant classified as benign is not then subjected to further curation. The score for this variant resulted in a classification of benign for this disease.

Illumina Laboratory Services, Illumina
Classification: Uncertain significance for Hypertrophic cardiomyopathy 4. Last evaluated: 2018-01-13. Review status: criteria provided, single submitter. Criteria: ICSL Variant Classification Criteria 13 December 2019. Collection method: clinical testing. Allele origin: germline.

NM_000256.3(MYBPC3):c.*131T>C

Gene: MYBPC3 (myosin binding protein C3; minus strand). Cytogenetic location: 11p11.2.
Variant type: single nucleotide variant.
Coding change: c.*131T>C on transcript NM_000256.3 (MANE Select); 131 bases downstream of the stop codon, T replaced by C.
Genome position (GRCh38, 1-based): chr11:47,331,612, A>G on the plus strand (T>C on the coding strand, the complement: MYBPC3 is on the minus strand). VCF-style: chr11-47331612-A-G. GRCh37 (hg19) VCF-style: chr11-47353163-A-G.
Other names: c.*131T>C (LRG_386t1).
Identifiers: ClinVar variation 304939 (VCV000304939.5), dbSNP rs570058149, ClinGen allele CA10638722.